The following is an entry in ClinVar:

NM_021615.5(CHST6):c.*2210C>G

Gene: CHST6 (carbohydrate sulfotransferase 6; minus strand). Cytogenetic location: 16q23.1.
Variant type: single nucleotide variant.
Coding change: c.*2210C>G on transcript NM_021615.5 (MANE Select); 2210 bases downstream of the stop codon, C replaced by G.
Molecular consequence: 3 prime UTR variant.
Genome position (GRCh38, 1-based): chr16:75,476,431, G>C on the plus strand (C>G on the coding strand, the complement: CHST6 is on the minus strand). VCF-style: chr16-75476431-G-C. GRCh37 (hg19) VCF-style: chr16-75510329-G-C.
Identifiers: ClinVar variation 320554 (VCV000320554.5), dbSNP rs111315694, ClinGen allele CA10644271.

ClinVar aggregate classification (germline): Likely benign (1 of 4 stars; one submission).

Conditions:
Macular corneal dystrophy (MCD). Also called: GROENOUW TYPE II CORNEAL DYSTROPHY; Macular corneal dystrophy Type I. Identifiers: Orphanet 98969, MedGen C1636149, MONDO:0009020, OMIM 217800.

Allele frequency attached by ClinVar (database versions not stated): gnomAD 0.00198 and 0.00216; TOPMed 0.00229; 1000 Genomes Project 30x 0.00234; 1000 Genomes Project 0.00280.

Submission:

Illumina Laboratory Services, Illumina
Classification: Likely benign for Macular corneal dystrophy. Last evaluated: 2018-01-12. Review status: criteria provided, single submitter. Criteria: ICSL Variant Classification Criteria 13 December 2019. Collection method: clinical testing. Allele origin: germline.
Comment: This variant was observed in the ICSL laboratory as part of a predisposition screen in an ostensibly healthy population. It had not been previously curated by ICSL or reported in the Human Gene Mutation Database (HGMD: prior to June 1st, 2018), and was therefore a candidate for classification through an automated scoring system. Utilizing variant allele frequency, disease prevalence and penetrance estimates, and inheritance mode, an automated score was calculated to assess if this variant is too frequent to cause the disease. Based on the score and internal cut-off values, a variant classified as likely benign is not then subjected to further curation. The score for this variant resulted in a classification of likely benign for this disease.